The following is an entry in ClinVar:

ClinVar aggregate classification (germline): Pathogenic. Review status: criteria provided, multiple submitters, no conflicts (2 of 4 stars). 2 submissions from 2 submitters: Pathogenic (2). Last evaluated 2025-09-10.

Conditions:
Marfan syndrome (MFS). Also called: Marfan syndrome, classic; FBN1-Related Marfan Syndrome; Marfan syndrome type 1; Marfan's syndrome; MARFAN SYNDROME, TYPE I. Identifiers: Orphanet 284963, Orphanet 558, MedGen C0024796, MONDO:0007947, OMIM 154700.

Submissions (2):

Genomic Medicine Center of Excellence, King Faisal Specialist Hospital and Research Centre
Classification: Pathogenic for Marfan syndrome. Last evaluated: 2025-09-10. Review status: criteria provided, single submitter. Criteria: ACMG Guidelines, 2015. Collection method: clinical testing. Allele origin: germline.

GeneDx
Classification: Pathogenic. Last evaluated: 2014-08-08. Review status: criteria provided, single submitter. Criteria: GeneDx Variant Classification (06012015). Collection method: clinical testing. Allele origin: germline. Affected: yes.
Comment: c.3712+1 G>A: IVS30+1 G>A in intron 30 of the FBN1 gene (NM_000138.4)Although the c.3712+1 G>A mutation has not been reported as a disease-causing mutation or as a benign polymorphism to our knowledge, this mutation destroys the canonical splice donor site in intron 30 and is predicted to cause abnormal gene splicing. A different mutation at the same position, c.3712+1 G>C, has been reported previously in one individual with a diagnosis of neonatal Marfan syndrome (Biggin A et al., 2004). Many other splice site mutations in the FBN1 gene have been reported in association with Marfan syndrome. Furthermore, the c.3712+1 G>A mutation was not observed in approximately 6,500 individuals of European and African American ancestry in the NHLBI Exome Sequencing Project, indicating it is not a common benign variant in these populations.In summary, c.3712+1 G>A in the FBN1 gene is interpreted as a disease-causing mutation. The variant is found in TAAD panel(s).

NM_000138.5(FBN1):c.3712+1G>A

Gene: FBN1 (fibrillin 1; minus strand). Cytogenetic location: 15q21.1.
Variant type: single nucleotide variant.
Coding change: c.3712+1G>A on transcript NM_000138.5 (MANE Select); the canonical splice donor site of the intron after coding-DNA position 3712, G replaced by A.
Molecular consequence: splice donor variant.
Genome position (GRCh38, 1-based): chr15:48,485,373, C>T on the plus strand (G>A on the coding strand, the complement: FBN1 is on the minus strand). VCF-style: chr15-48485373-C-T. GRCh37 (hg19) VCF-style: chr15-48777570-C-T.
Other names: c.3712+1G>A (NM_001406716.1).
Identifiers: ClinVar variation 200023 (VCV000200023.3), dbSNP rs794728209, ClinGen allele CA014467.